The following is an entry in ClinVar:

NM_001017995.3(SH3PXD2B):c.339T>C (p.Ser113=)

Gene: SH3PXD2B (SH3 and PX domains 2B; minus strand). Cytogenetic location: 5q35.1.
Variant type: single nucleotide variant.
Coding change: c.339T>C on transcript NM_001017995.3 (MANE Select); coding-DNA position 339, T replaced by C.
Protein change: p.Ser113=; no amino-acid change (serine 113 retained).
Molecular consequence: synonymous variant.
Genome position (GRCh38, 1-based): chr5:172,382,098, A>G on the plus strand (T>C on the coding strand, the complement: SH3PXD2B is on the minus strand). VCF-style: chr5-172382098-A-G. GRCh37 (hg19) VCF-style: chr5-171809102-A-G.
Other names: c.339T>C, p.Ser113= (NM_001308175.2).
Identifiers: ClinVar variation 2061162 (VCV002061162.12), dbSNP rs112777786, ClinGen allele CA3561588.

ClinVar aggregate classification (germline): Likely benign. Review status: criteria provided, multiple submitters, no conflicts (2 of 4 stars). 2 submissions from 2 submitters: Likely benign (2). Last evaluated 2025-10-16.

Allele frequency attached by ClinVar (database versions not stated): gnomAD exomes 0.00004; ExAC 0.00021; 1000 Genomes Project 30x 0.00047; TOPMed 0.00056; gnomAD 0.00058; 1000 Genomes Project 0.00060; ESP Exome Variant Server 0.00069.
gnomAD v4.1: 148 of 1,611,156 alleles (0.0092%); highest among the groups gnomAD compares: African/African-American, 0.17%; no homozygotes.

Submissions (2):

Labcorp Genetics (formerly Invitae), Labcorp
Classification: Likely benign. Last evaluated: 2025-10-16. Review status: criteria provided, single submitter. Criteria: Invitae Variant Classification Sherloc (09022015). Collection method: clinical testing. Allele origin: germline.

CeGaT Center for Human Genetics Tuebingen
Classification: Likely benign. Last evaluated: 2025-08-01. Review status: criteria provided, single submitter. Criteria: CeGaT Center For Human Genetics Tuebingen Variant Classification Criteria Version 2. Collection method: clinical testing. Allele origin: germline. Affected: yes. Observed: 1 variant allele.
Comment: SH3PXD2B: BP4, BP7